The following is an entry in ClinVar:

ClinVar aggregate classification (germline): Likely benign (1 of 4 stars; one submission).

Allele frequency attached by ClinVar (database versions not stated): ExAC 0.00001.
gnomAD v4.1: 1 of 1,614,242 alleles (0.000062%); highest among the groups gnomAD compares: South Asian, 0.0011%; no homozygotes.

Submission:

CeGaT Center for Human Genetics Tuebingen
Classification: Likely benign. Last evaluated: 2024-03-01. Review status: criteria provided, single submitter. Criteria: CeGaT Center For Human Genetics Tuebingen Variant Classification Criteria Version 2. Collection method: clinical testing. Allele origin: germline. Affected: yes. Observed: 1 variant allele.
Comment: MCPH1: BP4, BP7

NM_024596.5(MCPH1):c.1485T>G (p.Thr495=)

Gene: MCPH1 (microcephalin 1; plus strand). Cytogenetic location: 8p23.1.
Variant type: single nucleotide variant.
Coding change: c.1485T>G on transcript NM_024596.5 (MANE Select); coding-DNA position 1485, T replaced by G.
Protein change: p.Thr495=; no amino-acid change (threonine 495 retained).
Molecular consequence: synonymous variant. On other transcripts: non-coding transcript variant (1).
Genome position (GRCh38, 1-based): chr8:6,445,207, T>G. VCF-style: chr8-6445207-T-G. GRCh37 (hg19) VCF-style: chr8-6302728-T-G.
Other names: c.1485T>G, p.Thr495= (NM_001172574.2, NM_001322042.2, NM_001363979.1 and 3 more transcripts); c.1341T>G, p.Thr447= (NM_001172575.2); c.1479T>G, p.Thr493= (NM_001322043.2); c.1383T>G, p.Thr461= (NM_001322045.2).
Identifiers: ClinVar variation 3067525 (VCV003067525.21), dbSNP rs565739739, ClinGen allele CA4610568.